The following is an entry in ClinVar:

NM_001242896.3(DEPDC5):c.890A>G (p.Asp297Gly)

Gene: DEPDC5 (DEP domain containing 5, GATOR1 subcomplex subunit; plus strand). Cytogenetic location: 22q12.2.
Variant type: single nucleotide variant.
Coding change: c.890A>G on transcript NM_001242896.3 (MANE Select); coding-DNA position 890, A replaced by G.
Protein change: p.Asp297Gly; replaces aspartic acid 297 with glycine.
Molecular consequence: missense variant. On other transcripts: non-coding transcript variant (5).
Genome position (GRCh38, 1-based): chr22:31,798,600, A>G. VCF-style: chr22-31798600-A-G. GRCh37 (hg19) VCF-style: chr22-32194586-A-G.
Other names: c.890A>G, p.Asp297Gly (NM_001007188.4, NM_001136029.4, NM_001242897.2 and 7 more transcripts); c.806A>G, p.Asp269Gly (NM_001369901.1, NM_001369902.1); short protein forms D297G, D269G.
Identifiers: ClinVar variation 3012191 (VCV003012191.3), dbSNP rs776685422, ClinGen allele CA10196157.

ClinVar aggregate classification (germline): Uncertain significance (1 of 4 stars; one submission).

Conditions:
Familial focal epilepsy with variable foci (FPEVF). Identifiers: Orphanet 98820, MedGen C1858477, MONDO:0020310.

Allele frequency attached by ClinVar (database versions not stated): gnomAD exomes below 0.00001; ExAC 0.00001.
gnomAD v4.1: 5 of 1,611,308 alleles (0.00031%); highest among the groups gnomAD compares: South Asian, 0.0011%; no homozygotes.

Submission:

Labcorp Genetics (formerly Invitae), Labcorp
Classification: Uncertain significance for Familial focal epilepsy with variable foci. Last evaluated: 2025-01-06. Review status: criteria provided, single submitter. Criteria: Invitae Variant Classification Sherloc (09022015). Collection method: clinical testing. Allele origin: germline.
Comment: This sequence change replaces aspartic acid, which is acidic and polar, with glycine, which is neutral and non-polar, at codon 297 of the DEPDC5 protein (p.Asp297Gly). This variant is present in population databases (rs776685422, gnomAD 0.003%). This variant has not been reported in the literature in individuals affected with DEPDC5-related conditions. ClinVar contains an entry for this variant (Variation ID: 3012191). Experimental studies and prediction algorithms are not available or were not evaluated, and the functional significance of this variant is currently unknown. In summary, the available evidence is currently insufficient to determine the role of this variant in disease. Therefore, it has been classified as a Variant of Uncertain Significance.